The following is an entry in ClinVar:

NM_000116.5(TAFAZZIN):c.541+8G>A

Gene: TAFAZZIN (tafazzin, phospholipid-lysophospholipid transacylase; plus strand). Cytogenetic location: Xq28.
Variant type: single nucleotide variant.
Coding change: c.541+8G>A on transcript NM_000116.5 (MANE Select); 8 bases into the intron after coding-DNA position 541, G replaced by A.
Molecular consequence: intron variant.
Genome position (GRCh38, 1-based): chrX:154,419,631, G>A. VCF-style: chrX-154419631-G-A. GRCh37 (hg19) VCF-style: chrX-153647970-G-A.
Other names: c.541+8G>A (NM_000116.4, NM_181312.4); c.595+8G>A (NM_001303465.2); c.451+8G>A (NM_181311.4, NM_181313.4).
Identifiers: ClinVar variation 2148021 (VCV002148021.5), dbSNP rs782486640, ClinGen allele CA10562355.

ClinVar aggregate classification (germline): Likely benign. Review status: criteria provided, multiple submitters, no conflicts (2 of 4 stars). 2 submissions from 2 submitters: Likely benign (2). Last evaluated 2025-07-21.

Conditions:
3-Methylglutaconic aciduria type 2 (BTHS). Also called: CARDIOSKELETAL MYOPATHY WITH NEUTROPENIA AND ABNORMAL MITOCHONDRIA; Barth syndrome. Identifiers: Orphanet 111, MedGen C0574083, MONDO:0010543, OMIM 302060.
TAFAZZIN-related disorder. Also called: TAFAZZIN-related condition; TAFAZZIN-Related Disorders.

Allele frequency attached by ClinVar (database versions not stated): ExAC 0.00001.

Submissions (2):

Labcorp Genetics (formerly Invitae), Labcorp
Classification: Likely benign for 3-Methylglutaconic aciduria type 2. Last evaluated: 2025-07-21. Review status: criteria provided, single submitter. Criteria: Invitae Variant Classification Sherloc (09022015). Collection method: clinical testing. Allele origin: germline.

PreventionGenetics, part of Exact Sciences
Classification: Likely benign for TAFAZZIN-related condition. Last evaluated: 2025-06-16. Review status: criteria provided, single submitter. Criteria: ACMG Guidelines, 2015. Collection method: clinical testing. Allele origin: germline.
Comment: This variant is classified as likely benign based on ACMG/AMP sequence variant interpretation guidelines (Richards et al. 2015 PMID: 25741868, with internal and published modifications).